The following is an entry in ClinVar:

NM_000138.5(FBN1):c.527A>C (p.Gln176Pro)

Gene: FBN1 (fibrillin 1; minus strand). Cytogenetic location: 15q21.1.
Variant type: single nucleotide variant.
Coding change: c.527A>C on transcript NM_000138.5 (MANE Select); coding-DNA position 527, A replaced by C.
Protein change: p.Gln176Pro; replaces glutamine 176 with proline.
Molecular consequence: missense variant.
Genome position (GRCh38, 1-based): chr15:48,596,294, T>G on the plus strand (A>C on the coding strand, the complement: FBN1 is on the minus strand). VCF-style: chr15-48596294-T-G. GRCh37 (hg19) VCF-style: chr15-48888491-T-G.
Other names: c.527A>C, p.Gln176Pro (NM_001406716.1, NM_001406717.1); short protein forms Q176P.
Identifiers: ClinVar variation 3759302 (VCV003759302.2).

ClinVar aggregate classification (germline): Likely pathogenic (1 of 4 stars; one submission).

Conditions:
Marfan syndrome (MFS). Also called: MARFAN SYNDROME, TYPE I; Marfan syndrome type 1; Marfan's syndrome; Marfan syndrome, classic; FBN1-Related Marfan Syndrome. Identifiers: Orphanet 284963, Orphanet 558, MedGen C0024796, MONDO:0007947, OMIM 154700.
Familial thoracic aortic aneurysm and aortic dissection (TAAD). Also called: Thoracic aortic aneurysms and dissections. Identifiers: Orphanet 91387, MedGen C4707243, MONDO:0019625.

Submission:

Labcorp Genetics (formerly Invitae), Labcorp
Classification: Likely pathogenic for Marfan syndrome; Familial thoracic aortic aneurysm and aortic dissection. Last evaluated: 2024-07-15. Review status: criteria provided, single submitter. Criteria: Invitae Variant Classification Sherloc (09022015). Collection method: clinical testing. Allele origin: germline.
Comment: This sequence change replaces glutamine, which is neutral and polar, with proline, which is neutral and non-polar, at codon 176 of the FBN1 protein (p.Gln176Pro). This variant is not present in population databases (gnomAD no frequency). This missense change has been observed in individuals with clinical features of thoracic aortic aneurysm and dissection (PMID: 17418587; Invitae). Advanced modeling of protein sequence and biophysical properties (such as structural, functional, and spatial information, amino acid conservation, physicochemical variation, residue mobility, and thermodynamic stability) performed at Invitae indicates that this missense variant is expected to disrupt FBN1 protein function with a positive predictive value of 95%. In summary, the currently available evidence indicates that the variant is pathogenic, but additional data are needed to prove that conclusively. Therefore, this variant has been classified as Likely Pathogenic.

Literature cited by the submitters: PubMed 17418587.